The following is an entry in ClinVar:

ClinVar aggregate classification (germline): Uncertain significance (1 of 4 stars; one submission).

Submission:

Women's Health and Genetics/Laboratory Corporation of America, LabCorp
Classification: Uncertain significance. Last evaluated: 2025-07-23. Review status: criteria provided, single submitter. Criteria: LabCorp Variant Classification Summary - May 2015. Collection method: clinical testing. Allele origin: germline.
Comment: Variant summary: The variant involves the duplication of exons 1-19 in the KIF7 gene. A presumed nomenclature of c.(?_-94)_(*443_?)dup has been designated for the purposes of this classification. This duplication includes the entire coding sequence of the gene. As exact breakpoints are unknown, it may extend beyond the annotated region of the gene, to include other flanking genes. The variant was absent in 21694 control chromosomes. The available data on variant occurrences in the general population are insufficient to allow any conclusion about variant significance. To our knowledge, no occurrence of c.(?_-94)_(*443_?)dup in individuals affected with Acrocallosal Syndrome/Joubert Syndrome 12 and no experimental evidence demonstrating its impact on protein function have been reported. No submitters have cited clinical-significance assessments for this variant to ClinVar. Based on the evidence outlined above, the variant was classified as uncertain significance.

NC_000015.9:g.(?_90171207)_(90198699_?)dup

Genes: KIF7 (kinesin family member 7; minus strand), TICRR (TOPBP1 interacting checkpoint and replication regulator; plus strand). Cytogenetic location: 15q26.1.
Variant type: Duplication.
Identifiers: ClinVar variation 4526260 (VCV004526260.1).